The following is an entry in ClinVar:

NM_020843.4(SCAPER):c.1568A>G (p.His523Arg)

Gene: SCAPER (S-phase cyclin A associated protein in the ER; minus strand). Cytogenetic location: 15q24.3.
Variant type: single nucleotide variant.
Coding change: c.1568A>G on transcript NM_020843.4 (MANE Select); coding-DNA position 1568, A replaced by G.
Protein change: p.His523Arg; replaces histidine 523 with arginine.
Molecular consequence: missense variant. On other transcripts: non-coding transcript variant (1).
Genome position (GRCh38, 1-based): chr15:76,765,382, T>C on the plus strand (A>G on the coding strand, the complement: SCAPER is on the minus strand). VCF-style: chr15-76765382-T-C. GRCh37 (hg19) VCF-style: chr15-77057723-T-C.
Other names: c.830A>G, p.His277Arg (NM_001145923.2); c.1586A>G, p.His529Arg (NM_001353009.2); c.1166A>G, p.His389Arg (NM_001353010.2, NM_001353012.2); c.1184A>G, p.His395Arg (NM_001353011.2); short protein forms H389R, H395R, H523R, H529R, H277R.
Identifiers: ClinVar variation 4993806 (VCV004993806.1).

ClinVar aggregate classification (germline): Uncertain significance (1 of 4 stars; one submission).

Conditions:
SCAPER-related disorder. Also called: SCAPER-related condition.

gnomAD v4.1: 1 of 1,613,936 alleles (0.000062%); highest among the groups gnomAD compares: African/African-American, 0.0013%; no homozygotes.

Submission:

PreventionGenetics, part of Exact Sciences
Classification: Uncertain significance for SCAPER-related condition. Last evaluated: 2026-02-25. Review status: criteria provided, single submitter. Criteria: ACMG Guidelines, 2015. Collection method: clinical testing. Allele origin: germline.
Comment: The SCAPER c.1586A>G variant is predicted to result in the amino acid substitution p.His529Arg. To our knowledge, this variant has not been reported in the literature or in a large population database (gnomAD), indicating this variant is rare. At this time, the clinical significance of this variant is uncertain due to the absence of conclusive functional and genetic evidence.